The following is an entry in ClinVar:

NM_001042492.3(NF1):c.587-3C>T

Gene: NF1 (neurofibromin 1; plus strand). Cytogenetic location: 17q11.2.
Variant type: single nucleotide variant.
Coding change: c.587-3C>T on transcript NM_001042492.3 (MANE Select); 3 bases into the intron before coding-DNA position 587, C replaced by T.
Molecular consequence: intron variant.
Genome position (GRCh38, 1-based): chr17:31,181,419, C>T. VCF-style: chr17-31181419-C-T. GRCh37 (hg19) VCF-style: chr17-29508437-C-T.
Other names: c.587-3C>T (NM_000267.4, NM_001128147.3).
Identifiers: ClinVar variation 237578 (VCV000237578.19), dbSNP rs375188075, ClinGen allele CA8485570.

ClinVar aggregate classification (germline): Conflicting classifications of pathogenicity. Review status: criteria provided, conflicting classifications (1 of 4 stars). 5 submissions from 4 submitters: Uncertain significance (3); Likely benign (2). Last evaluated 2025-10-21.

Conditions:
Cardiovascular phenotype. Identifiers: MedGen CN230736.
Hereditary cancer-predisposing syndrome. Also called: Tumor predisposition; Hereditary Cancer Syndrome; Hereditary neoplastic syndrome; Neoplastic Syndromes, Hereditary. Identifiers: Orphanet 140162, MedGen C0027672, MeSH D009386, MONDO:0015356.
Neurofibromatosis, type 1 (NF1). Also called: VON RECKLINGHAUSEN DISEASE; NEUROFIBROMATOSIS, TYPE I, SOMATIC; Peripheral type neurofibromatosis; Neurofibromatosis, type I. Identifiers: Orphanet 636, MedGen C0027831, MONDO:0018975, OMIM 162200. Disease mechanism: loss of function.

Allele frequency attached by ClinVar (database versions not stated): TOPMed below 0.00001; ExAC 0.00001; gnomAD exomes 0.00001; ESP Exome Variant Server 0.00008.
gnomAD v4.1: 20 of 1,611,982 alleles (0.0012%); highest among the groups gnomAD compares: Non-Finnish European, 0.0017%; no homozygotes.

Submissions (5):

Labcorp Genetics (formerly Invitae), Labcorp
Classification: Likely benign for Neurofibromatosis, type 1. Last evaluated: 2025-10-21. Review status: criteria provided, single submitter. Criteria: Invitae Variant Classification Sherloc (09022015). Collection method: clinical testing. Allele origin: germline.

Ambry Genetics
Classification: Likely benign for Cardiovascular phenotype; Hereditary cancer-predisposing syndrome. Last evaluated: 2022-08-11. Review status: criteria provided, single submitter. Criteria: Ambry Variant Classification Scheme 2023. Collection method: clinical testing. Allele origin: germline.

Genome-Nilou Lab
Classification: Uncertain significance for Neurofibromatosis, type 1. Last evaluated: 2022-03-15. Review status: criteria provided, single submitter. Criteria: ACMG Guidelines, 2015. Collection method: clinical testing. Allele origin: germline. Affected: no.

ARUP Laboratories, Molecular Genetics and Genomics, ARUP Laboratories
Classification: Uncertain significance. Last evaluated: 2019-05-02. Review status: criteria provided, single submitter. Criteria: ARUP Molecular Germline Variant Investigation Process. Collection method: clinical testing. Allele origin: germline.
Comment: The NF1 c.587-3C>T variant (rs375188075), to our knowledge, is not reported in the medical literature but is reported in ClinVar (Variation ID: 237578). This variant is found on only two chromosomes in the Genome Aggregation Database, indicating it is not a common polymorphism. This is an intronic variant in a moderately conserved nucleotide, and computational analyses (Alamut v.2.11) predict that this variant does not alter splicing. However, another variant at the same nucleotide (c.587-3C>A) has been observed in an individual with neurofibromatosis type 1 and has been shown to affect splicing (Park 1998). Given a lack of clinical and functional data, the significance of the c.587-3C>T variant is uncertain at this time. References: Park VM and Pivnick EK. Neurofibromatosis type 1 (NF1): a protein truncation assay yielding identification of mutations in 73% of patients. J Med Genet. 1998 Oct;35(10):813-20.

Ambry Genetics
Classification: Uncertain significance for Hereditary cancer-predisposing syndrome. Last evaluated: 2016-01-28. Review status: criteria provided, single submitter. Criteria: Ambry Autosomal Dominant and X-Linked criteria (10/2015). Collection method: clinical testing. Allele origin: germline. Observed: 1 variant allele.
Comment: Thec.587-3C>Tintronicvariant results from a C to T substitution 3 nucleotides upstream from codingexon6 in theNF1gene. A different nucleotide substitution at this location (c.587-3C>A) has been identified in an individual withneurofibromatosisand was found to result in protein truncation(Park VM, et al.J. Med. Genet.1998 Oct; 35(10):813-20).This variant was previously reported in theSNPDatabaseasrs375188075. Based on data from theNHLBIExomeSequencing Project (ESP), the T allele has an overall frequency of approximately 0.01% (1/12964) total alleles studied and 0.01% (1/8578) European American alleles.To date, this alteration has been detected with an allele frequency of approximately 0.001% (greater than 110000 alleles tested) in our clinical cohort.This nucleotide position is well conserved in available vertebrate species. Using two different splice site prediction tools, this alteration is predicted byESEfinderto weaken the efficiency of the native splice acceptor site, but is not predicted to have a deleterious effect on this splice acceptorsite byBDGP; however, direct evidence is unavailable.Since supporting evidence is limited at this time, the clinical significance of this alterationremains unclear.

Literature cited by the submitters: PubMed 9783703 (cited by Ambry Genetics).